The following is an entry in ClinVar:

NM_006767.4(LZTR1):c.1482G>T (p.Arg494Ser)

Gene: LZTR1 (leucine zipper like post translational regulator 1; plus strand). Cytogenetic location: 22q11.21.
Variant type: single nucleotide variant.
Coding change: c.1482G>T on transcript NM_006767.4 (MANE Select); coding-DNA position 1482, G replaced by T.
Protein change: p.Arg494Ser; replaces arginine 494 with serine.
Molecular consequence: missense variant.
Genome position (GRCh38, 1-based): chr22:20,994,136, G>T. VCF-style: chr22-20994136-G-T. GRCh37 (hg19) VCF-style: chr22-21348425-G-T.
Other names: short protein forms R494S.
Identifiers: ClinVar variation 3667090 (VCV003667090.2).
Genomic context (GRCh38, chr22:20,994,136, plus strand): 5'-GTGTCCTTGAGCTCCCTTCTCCCCACAGAAGCTGGAGCAGGAGGCCGCCCCAGTTCCCAG[G>T]GAGGCCCCCGGCGTGGCTGCTGGTGGGGCCCGGCCGCCCCTGCTGCACGTGGCCATCCGG-3'
Protein context (NP_006758.2, residues 484-504): KLEQEAAPVP[Arg494Ser]EAPGVAAGGA

ClinVar aggregate classification (germline): Uncertain significance (1 of 4 stars; one submission).

Submission:

Labcorp Genetics (formerly Invitae), Labcorp
Classification: Uncertain significance. Last evaluated: 2024-09-17. Review status: criteria provided, single submitter. Criteria: Invitae Variant Classification Sherloc (09022015). Collection method: clinical testing. Allele origin: germline.
Comment: This sequence change replaces arginine, which is basic and polar, with serine, which is neutral and polar, at codon 494 of the LZTR1 protein (p.Arg494Ser). This variant is not present in population databases (gnomAD no frequency). This variant has not been reported in the literature in individuals affected with LZTR1-related conditions. Invitae Evidence Modeling of protein sequence and biophysical properties (such as structural, functional, and spatial information, amino acid conservation, physicochemical variation, residue mobility, and thermodynamic stability) indicates that this missense variant is not expected to disrupt LZTR1 protein function with a negative predictive value of 80%. In summary, the available evidence is currently insufficient to determine the role of this variant in disease. Therefore, it has been classified as a Variant of Uncertain Significance.